The following is an entry in ClinVar:

NM_001009944.3(PKD1):c.4881T>A (p.Tyr1627Ter)

Gene: PKD1 (polycystin 1, transient receptor potential channel interacting; minus strand). Cytogenetic location: 16p13.3.
Variant type: single nucleotide variant.
Coding change: c.4881T>A on transcript NM_001009944.3 (MANE Select); coding-DNA position 4881, T replaced by A.
Protein change: p.Tyr1627Ter; replaces tyrosine 1627 with a stop codon.
Molecular consequence: nonsense.
Genome position (GRCh38, 1-based): chr16:2,110,286, A>T on the plus strand (T>A on the coding strand, the complement: PKD1 is on the minus strand). VCF-style: chr16-2110286-A-T. GRCh37 (hg19) VCF-style: chr16-2160287-A-T.
Other names: c.4881T>A, p.Tyr1627Ter (NM_000296.4); short protein forms Y1627*.
Identifiers: ClinVar variation 3356709 (VCV003356709.2).
Genomic context (GRCh38, chr16:2,110,286, plus strand): 5'-GTTGGTGGGGAAGTAGCGGCCACCGCCCACCACCTGCAGCCCCTCTATGAGCTGCAGGAC[A>T]TAGACGAAGATGCTGTCCTGGGCGGAGCCCACCTCGTTCTCAGCCGTGACGATGATATTG-3'

ClinVar aggregate classification (germline): Pathogenic. Review status: criteria provided, single submitter (1 of 4 stars). 2 submissions from 2 submitters: Pathogenic (1). 1 of the submissions does not count toward it. Last evaluated 2019-12-09.

Conditions:
PKD1-related disorder. Also called: PKD1-related condition.

gnomAD v4.1: 1 of 1,612,646 alleles (0.000062%); highest among the groups gnomAD compares: Non-Finnish European, 0.000085%; no homozygotes.

Submissions (2):

Blueprint Genetics
Classification: Pathogenic for PKD1-related disorders. Last evaluated: 2019-12-09. Review status: criteria provided, single submitter. Criteria: ACMG Guidelines, 2015. Collection method: clinical testing. Allele origin: germline. Affected: yes. Observed: 1 variant allele.

PreventionGenetics, part of Exact Sciences
Classification: Pathogenic for PKD1-related condition. Last evaluated: 2024-03-13. Review status: no assertion criteria provided. Collection method: clinical testing. Allele origin: germline. Not counted in ClinVar's aggregate classification.
Comment: The PKD1 c.4881T>A variant is predicted to result in premature protein termination (p.Tyr1627*). This variant has been reported in an individual with autosomal dominant polycystic kidney disease 1 (Supplemental table 3, Cornec-Le Gall et al 2016. PubMed ID: 26150605). This variant is reported in 0.00089% of alleles in individuals of European (Non-Finnish) descent in gnomAD. Nonsense variants in PKD1 are expected to be pathogenic. This variant is interpreted as pathogenic.